The following is an entry in ClinVar:

NM_001303052.2(MYT1L):c.260T>A (p.Val87Glu)

Gene: MYT1L (myelin transcription factor 1 like; minus strand). Cytogenetic location: 2p25.3.
Variant type: single nucleotide variant.
Coding change: c.260T>A on transcript NM_001303052.2 (MANE Select); coding-DNA position 260, T replaced by A.
Protein change: p.Val87Glu; replaces valine 87 with glutamic acid.
Molecular consequence: missense variant.
Genome position (GRCh38, 1-based): chr2:1,943,227, A>T on the plus strand (T>A on the coding strand, the complement: MYT1L is on the minus strand). VCF-style: chr2-1943227-A-T. GRCh37 (hg19) VCF-style: chr2-1946999-A-T.
Other names: c.260T>A, p.Val87Glu (NM_001329844.2, NM_001329845.1, NM_001329846.3 and 6 more transcripts); short protein forms V87E.
Identifiers: ClinVar variation 4742841 (VCV004742841.1).
Genomic context (GRCh38, chr2:1,943,227, plus strand): 5'-CCCTCATCCTCCTCCTTCTCATCCATGTCCTCAGTCCCATCACTGTCGTCACACTCATCC[A>T]CTGAGGAGCTGTCTGCTTTCACGGCAAATGGCTTTCGTTTAGGAGCAGGTTCCTGGGGCT-3'
Protein context (NP_001289981.1, residues 77-97): PFAVKADSSS[Val87Glu]DECDDSDGTE

ClinVar aggregate classification (germline): Uncertain significance (1 of 4 stars; one submission).

Submission:

Labcorp Genetics (formerly Invitae), Labcorp
Classification: Uncertain significance. Last evaluated: 2025-12-23. Review status: criteria provided, single submitter. Criteria: Invitae Variant Classification Sherloc (09022015). Collection method: clinical testing. Allele origin: germline.
Comment: This sequence change replaces valine, which is neutral and non-polar, with glutamic acid, which is acidic and polar, at codon 87 of the MYT1L protein (p.Val87Glu). This variant is not present in population databases (gnomAD no frequency). This variant has not been reported in the literature in individuals affected with MYT1L-related conditions. Invitae Evidence Modeling of protein sequence and biophysical properties (such as structural, functional, and spatial information, amino acid conservation, physicochemical variation, residue mobility, and thermodynamic stability) indicates that this missense variant is not expected to disrupt MYT1L protein function with a negative predictive value of 80%. In summary, the available evidence is currently insufficient to determine the role of this variant in disease. Therefore, it has been classified as a Variant of Uncertain Significance.